The following is an entry in ClinVar:

NM_139276.3(STAT3):c.1268G>A (p.Arg423Gln)

Gene: STAT3 (signal transducer and activator of transcription 3; minus strand). Cytogenetic location: 17q21.2.
Variant type: single nucleotide variant.
Coding change: c.1268G>A on transcript NM_139276.3 (MANE Select); coding-DNA position 1268, G replaced by A.
Protein change: p.Arg423Gln; replaces arginine 423 with glutamine.
Molecular consequence: missense variant.
Genome position (GRCh38, 1-based): chr17:42,329,423, C>T on the plus strand (G>A on the coding strand, the complement: STAT3 is on the minus strand). VCF-style: chr17-42329423-C-T. GRCh37 (hg19) VCF-style: chr17-40481441-C-T.
Other names: c.1268G>A, p.Arg423Gln (NM_001369512.1, NM_001369513.1, NM_001369514.1 and 12 more transcripts); c.1190G>A, p.Arg397Gln (NM_001384985.1); c.1283G>A, p.Arg428Gln (NM_001384986.1, NM_001384990.1); c.1172G>A, p.Arg391Gln (NM_001384989.1); c.1208G>A, p.Arg403Gln (NM_001384992.1); short protein forms R423Q, R391Q, R397Q, R403Q, R428Q.
Identifiers: ClinVar variation 18306 (VCV000018306.10), dbSNP rs113994137, ClinGen allele CA341508.

ClinVar aggregate classification (germline): Pathogenic. Review status: criteria provided, multiple submitters, no conflicts (2 of 4 stars). 6 submissions from 6 submitters: Pathogenic (4). 2 of the submissions do not count toward it. Last evaluated 2025-09-07.

Conditions:
Hyper-IgE recurrent infection syndrome 1, autosomal dominant. Also called: HYPER-IgE SYNDROME 1, AUTOSOMAL DOMINANT, WITH RECURRENT INFECTIONS; Job's Syndrome; STAT3 Hyper IgE Syndrome; JOB SYNDROME; Hyper-IgE recurrent infection syndrome 1. Identifiers: Orphanet 2314, MedGen C2936739, MONDO:0007818, OMIM 147060.
STAT3 gain of function. Identifiers: MedGen C4288261.
STAT3-related disorder. Also called: STAT3-related condition.
STAT3-related early-onset multisystem autoimmune disease. Also called: Autoimmune disease, multisystem, infantile-onset, 1. Identifiers: Orphanet 438159, MedGen C4014795, MONDO:0014414, OMIM 615952.

Allele frequency attached by ClinVar (database versions not stated): gnomAD 0.00001.
gnomAD v4.1: 1 of 1,613,978 alleles (0.000062%); highest among the groups gnomAD compares: African/African-American, 0.0013%; no homozygotes.

Submissions (6):

Labcorp Genetics (formerly Invitae), Labcorp
Classification: Pathogenic for STAT3 gain of function; Hyper-IgE recurrent infection syndrome 1, autosomal dominant. Last evaluated: 2025-09-07. Review status: criteria provided, single submitter. Criteria: Invitae Variant Classification Sherloc (09022015). Collection method: clinical testing. Allele origin: germline.
Comment: This sequence change replaces arginine, which is basic and polar, with glutamine, which is neutral and polar, at codon 423 of the STAT3 protein (p.Arg423Gln). This variant is not present in population databases (gnomAD no frequency). This missense change has been observed in individual(s) with hyper IgE syndrome (PMID: 17881745, 21288777, 33717144). In at least one individual the variant was observed to be de novo. It has also been observed to segregate with disease in related individuals. ClinVar contains an entry for this variant (Variation ID: 18306). Invitae Evidence Modeling of protein sequence and biophysical properties (such as structural, functional, and spatial information, amino acid conservation, physicochemical variation, residue mobility, and thermodynamic stability) indicates that this missense variant is not expected to disrupt STAT3 protein function with a negative predictive value of 80%. Experimental studies have shown that this missense change affects STAT3 function (PMID: 22581330). For these reasons, this variant has been classified as Pathogenic.

Blueprint Genetics
Classification: Pathogenic for STAT3-related disorders. Last evaluated: 2024-04-24. Review status: criteria provided, single submitter. Criteria: ACMG Guidelines, 2015. Collection method: clinical testing. Allele origin: germline. Affected: yes. Observed: 4 variant alleles.

3billion
Classification: Pathogenic for Hyper-IgE recurrent infection syndrome 1, autosomal dominant. Last evaluated: 2022-09-01. Review status: criteria provided, single submitter. Criteria: ACMG Guidelines, 2015. Collection method: clinical testing. Allele origin: germline. Affected: yes. Observed: 1 heterozygote.
Comment: The variant is not observed in the gnomAD v2.1.1 dataset. Missense changes are a common disease-causing mechanism. In silico tool predictions suggest damaging effect of the variant on gene or gene product (REVEL: 0.85; 3Cnet: 0.82). Same nucleotide change resulting in same amino acid change has been previously reported as pathogenic/likely pathogenic with strong evidence (Clinvar: VCV000018306.3). The variant has been previously reported as de novo in a similarly affected individual, and has been reported to co-segregate with the disease in at least 3 similarly affected relatives/individuals in the same family or similarly affected unrelated families (PMID: 17881745). Therefore, this variant is classified as Pathogenic according to the recommendation of ACMG/AMP guideline.

Baylor Genetics
Classification: Pathogenic for STAT3-related early-onset multisystem autoimmune disease. Last evaluated: 2018-12-23. Review status: criteria provided, single submitter. Criteria: ACMG Guidelines, 2015. Collection method: clinical testing. Allele origin: unknown. Affected: yes.
Comment: This variant was determined to be pathogenic according to ACMG Guidelines, 2015 [PMID:25741868]. This variant has been previously reported as disease-causing in multiple patients [PMID 17881745, 27799162, 21288777]

OMIM
Classification: Pathogenic for HYPER-IgE SYNDROME 1, AUTOSOMAL DOMINANT, WITH RECURRENT INFECTIONS. Last evaluated: 2007-10-18. Review status: no assertion criteria provided. Collection method: literature only. Allele origin: germline. Not counted in ClinVar's aggregate classification.

GeneReviews
No classification provided. Condition: Hyper-IgE recurrent infection syndrome 1, autosomal dominant. Review status: no classification provided. Collection method: literature only. Allele origin: germline. Not counted in ClinVar's aggregate classification.

Literature cited by the submitters: PubMed 17881745 (cited by 5 submitters); PubMed 21288777 (cited by Labcorp Genetics (formerly Invitae), Labcorp and Baylor Genetics); PubMed 33717144 (cited by Labcorp Genetics (formerly Invitae), Labcorp); PubMed 22581330 (cited by Labcorp Genetics (formerly Invitae), Labcorp); PubMed 27799162 (cited by Baylor Genetics); PubMed 20301786 (cited by GeneReviews).